The following is an entry in ClinVar:

ClinVar aggregate classification (germline): Uncertain significance (1 of 4 stars; one submission).

Allele frequency attached by ClinVar (database versions not stated): TOPMed 0.00001.
gnomAD v4.1: 1 of 1,508,182 alleles (0.000066%); highest among the groups gnomAD compares: Admixed American, 0.0019%; no homozygotes.

Submission:

Labcorp Genetics (formerly Invitae), Labcorp
Classification: Uncertain significance. Last evaluated: 2022-07-06. Review status: criteria provided, single submitter. Criteria: Invitae Variant Classification Sherloc (09022015). Collection method: clinical testing. Allele origin: germline.
Comment: This variant has not been reported in the literature in individuals affected with MAP3K7-related conditions. ClinVar contains an entry for this variant (Variation ID: 1352704). Algorithms developed to predict the effect of missense changes on protein structure and function are either unavailable or do not agree on the potential impact of this missense change (SIFT: "Deleterious"; PolyPhen-2: "Not Available"; Align-GVGD: "Class C0"). In summary, the available evidence is currently insufficient to determine the role of this variant in disease. Therefore, it has been classified as a Variant of Uncertain Significance. This variant is not present in population databases (gnomAD no frequency). This sequence change replaces serine, which is neutral and polar, with threonine, which is neutral and polar, at codon 12 of the MAP3K7 protein (p.Ser12Thr).

NM_145331.3(MAP3K7):c.34T>A (p.Ser12Thr)

Gene: MAP3K7 (mitogen-activated protein kinase kinase kinase 7; minus strand). Cytogenetic location: 6q15.
Variant type: single nucleotide variant.
Coding change: c.34T>A on transcript NM_145331.3 (MANE Select); coding-DNA position 34, T replaced by A.
Protein change: p.Ser12Thr; replaces serine 12 with threonine.
Molecular consequence: missense variant.
Genome position (GRCh38, 1-based): chr6:90,586,850, A>T on the plus strand (T>A on the coding strand, the complement: MAP3K7 is on the minus strand). VCF-style: chr6-90586850-A-T. GRCh37 (hg19) VCF-style: chr6-91296569-A-T.
Other names: c.34T>A, p.Ser12Thr (NM_003188.4, NM_145332.3, NM_145333.3); short protein forms S12T.
Identifiers: ClinVar variation 1352704 (VCV001352704.8), dbSNP rs1051442933, ClinGen allele CA365021046.
Genomic context (GRCh38, chr6:90,586,850, plus strand): 5'-CGATCTCTTCAAAGTTGAGGACCTGGGAAGGGGCTTCGATCATCTCACCGGCCGAAGACG[A>T]GGAGGAGGAGGAGGCGGCAGAGGCTGTAGACATGATCCCTCGCGGCGCCCGGTGGGGCCG-3'
Protein context (NP_663304.1, residues 2-22): STASAASSSS[Ser12Thr]SSAGEMIEAP